The following is an entry in ClinVar:

NM_006734.4(HIVEP2):c.4006G>A (p.Val1336Ile)

Gene: HIVEP2 (HIVEP zinc finger 2; minus strand). Cytogenetic location: 6q24.2.
Variant type: single nucleotide variant.
Coding change: c.4006G>A on transcript NM_006734.4 (MANE Select); coding-DNA position 4006, G replaced by A.
Protein change: p.Val1336Ile; replaces valine 1336 with isoleucine.
Molecular consequence: missense variant.
Genome position (GRCh38, 1-based): chr6:142,770,733, C>T on the plus strand (G>A on the coding strand, the complement: HIVEP2 is on the minus strand). VCF-style: chr6-142770733-C-T. GRCh37 (hg19) VCF-style: chr6-143091870-C-T.
Other names: short protein forms V1336I.
Identifiers: ClinVar variation 1691746 (VCV001691746.2), dbSNP rs1775512812, ClinGen allele CA365901684.

ClinVar aggregate classification (germline): Uncertain significance (1 of 4 stars; one submission).

Submission:

GeneDx
Classification: Uncertain significance. Last evaluated: 2022-06-16. Review status: criteria provided, single submitter. Criteria: GeneDx Variant Classification Process June 2021. Collection method: clinical testing. Allele origin: germline. Affected: yes.
Comment: Has not been previously published as pathogenic or benign to our knowledge; Not observed at significant frequency in large population cohorts (gnomAD); In silico analysis supports that this missense variant does not alter protein structure/function